The following is an entry in ClinVar:

ClinVar aggregate classification (germline): Uncertain significance (1 of 4 stars; one submission).

Submission:

Women's Health and Genetics/Laboratory Corporation of America, LabCorp
Classification: Uncertain significance. Last evaluated: 2023-09-08. Review status: criteria provided, single submitter. Criteria: LabCorp Variant Classification Summary - May 2015. Collection method: clinical testing. Allele origin: germline.
Comment: Variant summary: CLN6 c.510_512delCTA (p.Tyr172del) results in an in-frame deletion that is predicted to remove one Tyr residue from a Try(3) stretch of the encoded protein. The variant was absent in 250962 control chromosomes (gnomAD). The variant, c.510_512delCTA, has been reported in the literature in a homozygous individual affected with Neuronal Ceroid-Lipofuscinosis (Batten Disease) (Gao_2002). These data indicate that the variant may be associated with disease. To our knowledge, no experimental evidence demonstrating an impact on protein function has been reported. However, a different variant affecting the same codon (p.Y172H) was reported in affected individual(s) (HGMD). The following publication has been ascertained in the context of this evaluation (PMID: 11791207). No submitters have cited clinical-significance assessments for this variant to ClinVar after 2014. Based on the evidence outlined above, the variant was classified as VUS-possibly pathogenic.

Literature cited by the submitters: PubMed 11791207.

NM_017882.3(CLN6):c.507CTA[1] (p.Tyr172del)

Gene: CLN6 (CLN6 transmembrane ER protein; minus strand). Cytogenetic location: 15q23.
Variant type: Microsatellite.
Coding change: c.507CTA[1] on transcript NM_017882.3 (MANE Select); one copy of the 3-base unit CTA starting at c.507; the reference has two copies in a row; one copy, 3 bases deleted.
Protein change: p.Tyr172del; deletes tyrosine 172.
Molecular consequence: inframe deletion.
Genome position (GRCh38, 1-based): chr15:68,211,293-68,211,295, TAG deleted on the plus strand (CTA on the coding strand, the reverse complement: CLN6 is on the minus strand); deleting any 3 consecutive bases within chr15:68,211,293-68,211,298 gives the same sequence; the position shown is the placement nearest the transcript's 3' end. VCF-style (leftmost placement, unchanged base first): chr15-68211292-ATAG-A. GRCh37 (hg19) VCF-style: chr15-68503630-ATAG-A.
Other names: c.603CTA[1], p.Tyr204del (NM_001411068.1); short protein forms Y172del, Y204del.
Identifiers: ClinVar variation 2627171 (VCV002627171.1), dbSNP rs2093204286, ClinGen allele CA971079910.